The following is an entry in ClinVar:

ClinVar aggregate classification (germline): Conflicting classifications of pathogenicity. Review status: criteria provided, conflicting classifications (1 of 4 stars). 2 submissions from 2 submitters: Uncertain significance (1); Benign (1). Last evaluated 2025-08-24.

Conditions:
Cardiovascular phenotype. Identifiers: MedGen CN230736.
Familial hypobetalipoproteinemia 1. Also called: Hypobetalipoproteinemia, normotriglyceridemic; Acanthocytosis with hypobetalipoproteinemia; APOB-Related Familial Hypobetalipoproteinemia. Identifiers: MedGen C4551990, MONDO:0014252, OMIM 615558.
Hypercholesterolemia, autosomal dominant, type B (FHCL2). Also called: Familial Hypercholesterolemia Type B; HYPERCHOLESTEROLEMIA, FAMILIAL, DUE TO LIGAND-DEFECTIVE APOLIPOPROTEIN B; Familial hypercholesterolemia 2; APOB-Related Familial Hypercholesterolemia, Autosomal Dominant; APOLIPOPROTEIN B-100, FAMILIAL DEFECTIVE; APOLIPOPROTEIN B-100, FAMILIAL LIGAND-DEFECTIVE. Identifiers: MedGen C1704417, MONDO:0007751, OMIM 144010.

Allele frequency attached by ClinVar (database versions not stated): ESP Exome Variant Server 0.00008; gnomAD exomes 0.00001 and 0.00002; gnomAD 0.00002; TOPMed 0.00002.
gnomAD v4.1: 26 of 1,613,990 alleles (0.0016%); highest among the groups gnomAD compares: Non-Finnish European, 0.002%; no homozygotes.

Submissions (2):

Labcorp Genetics (formerly Invitae), Labcorp
Classification: Benign for Familial hypobetalipoproteinemia 1; Hypercholesterolemia, autosomal dominant, type B. Last evaluated: 2025-08-24. Review status: criteria provided, single submitter. Criteria: Invitae Variant Classification Sherloc (09022015). Collection method: clinical testing. Allele origin: germline.

Ambry Genetics
Classification: Uncertain significance for Cardiovascular phenotype. Last evaluated: 2024-11-10. Review status: criteria provided, single submitter. Criteria: Ambry Variant Classification Scheme 2023. Collection method: clinical testing. Allele origin: germline.
Comment: The p.I3374T variant (also known as c.10121T>C), located in coding exon 26 of the APOB gene, results from a T to C substitution at nucleotide position 10121. The isoleucine at codon 3374 is replaced by threonine, an amino acid with similar properties. This amino acid position is conserved. In addition, this alteration is predicted to be tolerated by in silico analysis. Based on the available evidence, the clinical significance of this variant remains unclear.

NM_000384.3(APOB):c.10121T>C (p.Ile3374Thr)

Gene: APOB (apolipoprotein B; minus strand). Cytogenetic location: 2p24.1.
Variant type: single nucleotide variant.
Coding change: c.10121T>C on transcript NM_000384.3 (MANE Select); coding-DNA position 10121, T replaced by C.
Protein change: p.Ile3374Thr; replaces isoleucine 3374 with threonine.
Molecular consequence: missense variant.
Genome position (GRCh38, 1-based): chr2:21,006,747, A>G on the plus strand (T>C on the coding strand, the complement: APOB is on the minus strand). VCF-style: chr2-21006747-A-G. GRCh37 (hg19) VCF-style: chr2-21229619-A-G.
Other names: short protein forms I3374T.
Identifiers: ClinVar variation 924093 (VCV000924093.8), dbSNP rs147052564, ClinGen allele CA43496478.